The following is an entry in ClinVar:

NM_003239.5(TGFB3):c.504C>G (p.Ile168Met)

Gene: TGFB3 (transforming growth factor beta 3; minus strand). Cytogenetic location: 14q24.3.
Variant type: single nucleotide variant.
Coding change: c.504C>G on transcript NM_003239.5 (MANE Select); coding-DNA position 504, C replaced by G.
Protein change: p.Ile168Met; replaces isoleucine 168 with methionine.
Molecular consequence: missense variant.
Genome position (GRCh38, 1-based): chr14:75,971,567, G>C on the plus strand (C>G on the coding strand, the complement: TGFB3 is on the minus strand). VCF-style: chr14-75971567-G-C. GRCh37 (hg19) VCF-style: chr14-76437910-G-C.
Other names: c.504C>G, p.Ile168Met (NM_001329938.2, NM_001329939.2); short protein forms I168M.
Identifiers: ClinVar variation 520213 (VCV000520213.13), dbSNP rs148029842, ClinGen allele CA7280439.

ClinVar aggregate classification (germline): Uncertain significance. Review status: criteria provided, multiple submitters, no conflicts (2 of 4 stars). 3 submissions from 3 submitters: Uncertain significance (3). Last evaluated 2022-02-08.

Conditions:
Familial thoracic aortic aneurysm and aortic dissection (TAAD). Also called: Thoracic aortic aneurysms and dissections. Identifiers: Orphanet 91387, MedGen C4707243, MONDO:0019625.
Rienhoff syndrome. Also called: LOEYS-DIETZ SYNDROME 5. Identifiers: MedGen C3810012, MONDO:0014262, OMIM 615582.

gnomAD v4.1: 41 of 1,614,156 alleles (0.0025%); highest among the groups gnomAD compares: Non-Finnish European, 0.0034%; no homozygotes.

Submissions (3):

Labcorp Genetics (formerly Invitae), Labcorp
Classification: Uncertain significance for Rienhoff syndrome. Last evaluated: 2022-02-08. Review status: criteria provided, single submitter. Criteria: Invitae Variant Classification Sherloc (09022015). Collection method: clinical testing. Allele origin: germline.
Comment: In summary, the available evidence is currently insufficient to determine the role of this variant in disease. Therefore, it has been classified as a Variant of Uncertain Significance. Algorithms developed to predict the effect of missense changes on protein structure and function are either unavailable or do not agree on the potential impact of this missense change (SIFT: "Deleterious"; PolyPhen-2: "Probably Damaging"; Align-GVGD: "Class C0"). ClinVar contains an entry for this variant (Variation ID: 520213). This variant has not been reported in the literature in individuals affected with TGFB3-related conditions. This variant is present in population databases (rs148029842, gnomAD 0.004%). This sequence change replaces isoleucine, which is neutral and non-polar, with methionine, which is neutral and non-polar, at codon 168 of the TGFB3 protein (p.Ile168Met).

Stanford Center for Inherited Cardiovascular Disease, Stanford University
Classification: Uncertain significance. Last evaluated: 2017-10-27. Review status: criteria provided, single submitter. Criteria: ACMG Guidelines, 2015. Collection method: provider interpretation. Allele origin: germline.

Ambry Genetics
Classification: Uncertain significance for Familial thoracic aortic aneurysm and aortic dissection. Last evaluated: 2017-04-07. Review status: criteria provided, single submitter. Criteria: Ambry Variant Classification Scheme 2023. Collection method: clinical testing. Allele origin: germline.
Comment: The p.I168M variant (also known as c.504C>G), located in coding exon 2 of the TGFB3 gene, results from a C to G substitution at nucleotide position 504. The isoleucine at codon 168 is replaced by methionine, an amino acid with highly similar properties. This amino acid position is highly conserved in available vertebrate species. In addition, the in silico prediction for this alteration is inconclusive. Since supporting evidence is limited at this time, the clinical significance of this alteration remains unclear.